The following is an entry in ClinVar:

NM_005477.3(HCN4):c.1027A>T (p.Met343Leu)

Genes: HCN4 (hyperpolarization activated cyclic nucleotide gated potassium channel 4; minus strand), LOC105370890 (uncharacterized LOC105370890; plus strand), LOC126862173 (CDK7 strongly-dependent group 2 enhancer GRCh37_chr15:73635762-73636961; plus strand). Cytogenetic location: 15q24.1.
Variant type: single nucleotide variant.
Coding change: c.1027A>T on transcript NM_005477.3 (MANE Select); coding-DNA position 1027, A replaced by T.
Protein change: p.Met343Leu; replaces methionine 343 with leucine.
Molecular consequence: missense variant. On other transcripts: non-coding transcript variant (1).
Genome position (GRCh38, 1-based): chr15:73,343,567, T>A on the plus strand (A>T on the coding strand, the complement: HCN4 is on the minus strand). VCF-style: chr15-73343567-T-A. GRCh37 (hg19) VCF-style: chr15-73635908-T-A.
Other names: short protein forms M343L.
Identifiers: ClinVar variation 3019221 (VCV003019221.3), dbSNP rs185719200, ClinGen allele CA393095008.

ClinVar aggregate classification (germline): Uncertain significance (1 of 4 stars; one submission).

Conditions:
Brugada syndrome 8 (BRGDA8). Identifiers: Orphanet 130, MedGen C2751083, MONDO:0013148, OMIM 613123.

Submission:

Labcorp Genetics (formerly Invitae), Labcorp
Classification: Uncertain significance for Brugada syndrome 8. Last evaluated: 2023-12-10. Review status: criteria provided, single submitter. Criteria: Invitae Variant Classification Sherloc (09022015). Collection method: clinical testing. Allele origin: germline.
Comment: This sequence change replaces methionine, which is neutral and non-polar, with leucine, which is neutral and non-polar, at codon 343 of the HCN4 protein (p.Met343Leu). This variant is not present in population databases (gnomAD no frequency). This variant has not been reported in the literature in individuals affected with HCN4-related conditions. Advanced modeling of protein sequence and biophysical properties (such as structural, functional, and spatial information, amino acid conservation, physicochemical variation, residue mobility, and thermodynamic stability) performed at Invitae indicates that this missense variant is not expected to disrupt HCN4 protein function with a negative predictive value of 80%. In summary, the available evidence is currently insufficient to determine the role of this variant in disease. Therefore, it has been classified as a Variant of Uncertain Significance.